The following is an entry in ClinVar:

ClinVar aggregate classification (germline): Uncertain significance (1 of 4 stars; one submission).

Conditions:
Neuropathy, hereditary sensory and autonomic, type 2A (HSAN2A). Also called: MORVAN DISEASE; NEUROPATHY, CONGENITAL SENSORY; NEUROPATHY, HEREDITARY SENSORY RADICULAR, AUTOSOMAL RECESSIVE; NEUROPATHY, HEREDITARY SENSORY, TYPE IIA; NEUROPATHY, PROGRESSIVE SENSORY, OF CHILDREN; ACROOSTEOLYSIS, GIACCAI TYPE. Identifiers: Orphanet 970, MedGen C2752089, MONDO:0024309, OMIM 201300.
Generalized epilepsy with febrile seizures plus, type 7 (GEFSP7). Also called: GEFS+, TYPE 7. Identifiers: Orphanet 36387, MedGen C2751778, MONDO:0013470, OMIM 613863.

Allele frequency attached by ClinVar (database versions not stated): gnomAD exomes below 0.00001 and 0.00001; TOPMed 0.00002.
gnomAD v4.1: 6 of 1,613,444 alleles (0.00037%); highest among the groups gnomAD compares: Non-Finnish European, 0.00051%; no homozygotes.

Submission:

Labcorp Genetics (formerly Invitae), Labcorp
Classification: Uncertain significance for Neuropathy, hereditary sensory and autonomic, type 2A; Generalized epilepsy with febrile seizures plus, type 7. Last evaluated: 2024-05-15. Review status: criteria provided, single submitter. Criteria: Invitae Variant Classification Sherloc (09022015). Collection method: clinical testing. Allele origin: germline.
Comment: This sequence change replaces arginine, which is basic and polar, with threonine, which is neutral and polar, at codon 477 of the SCN9A protein (p.Arg477Thr). This variant is present in population databases (no rsID available, gnomAD 0.0009%). This variant has not been reported in the literature in individuals affected with SCN9A-related conditions. ClinVar contains an entry for this variant (Variation ID: 1059392). Advanced modeling of protein sequence and biophysical properties (such as structural, functional, and spatial information, amino acid conservation, physicochemical variation, residue mobility, and thermodynamic stability) performed at Invitae indicates that this missense variant is not expected to disrupt SCN9A protein function with a negative predictive value of 95%. In summary, the available evidence is currently insufficient to determine the role of this variant in disease. Therefore, it has been classified as a Variant of Uncertain Significance.

NM_001365536.1(SCN9A):c.1430G>C (p.Arg477Thr)

Genes: SCN9A (sodium voltage-gated channel alpha subunit 9; minus strand), SCN1A-AS1 (SCN1A and SCN9A antisense RNA 1; plus strand). Cytogenetic location: 2q24.3.
Variant type: single nucleotide variant.
Coding change: c.1430G>C on transcript NM_001365536.1 (MANE Select); coding-DNA position 1430, G replaced by C.
Protein change: p.Arg477Thr; replaces arginine 477 with threonine.
Molecular consequence: missense variant.
Genome position (GRCh38, 1-based): chr2:166,286,508, C>G on the plus strand (G>C on the coding strand, the complement: SCN9A is on the minus strand). VCF-style: chr2-166286508-C-G. GRCh37 (hg19) VCF-style: chr2-167143018-C-G.
Other names: c.1430G>C, p.Arg477Thr (NM_002977.4); short protein forms R477T.
Identifiers: ClinVar variation 1059392 (VCV001059392.9), dbSNP rs1238850973, ClinGen allele CA349084762.